The following is an entry in ClinVar:

ClinVar aggregate classification (germline): Uncertain significance (1 of 4 stars; one submission).

Allele frequency attached by ClinVar (database versions not stated): gnomAD 0.00001.
gnomAD v4.1: 1 of 1,614,088 alleles (0.000062%); highest among the groups gnomAD compares: African/African-American, 0.0013%; no homozygotes.

Submission:

Labcorp Genetics (formerly Invitae), Labcorp
Classification: Uncertain significance. Last evaluated: 2023-04-19. Review status: criteria provided, single submitter. Criteria: Invitae Variant Classification Sherloc (09022015). Collection method: clinical testing. Allele origin: germline.
Comment: Variants that disrupt the consensus splice site are a relatively common cause of aberrant splicing (PMID: 17576681, 9536098). Algorithms developed to predict the effect of sequence changes on RNA splicing suggest that this variant is not likely to affect RNA splicing. In summary, the available evidence is currently insufficient to determine the role of this variant in disease. Therefore, it has been classified as a Variant of Uncertain Significance. ClinVar contains an entry for this variant (Variation ID: 1011648). This variant has not been reported in the literature in individuals affected with POLE-related conditions. This variant is not present in population databases (gnomAD no frequency). This sequence change falls in intron 34 of the POLE gene. It does not directly change the encoded amino acid sequence of the POLE protein. It affects a nucleotide within the consensus splice site.

Literature cited by the submitters: PubMed 17576681; PubMed 9536098.

NM_006231.4(POLE):c.4444+6G>T

Gene: POLE (DNA polymerase epsilon, catalytic subunit; minus strand). Cytogenetic location: 12q24.33.
Variant type: single nucleotide variant.
Coding change: c.4444+6G>T on transcript NM_006231.4 (MANE Select); 6 bases into the intron after coding-DNA position 4444, G replaced by T.
Molecular consequence: intron variant.
Genome position (GRCh38, 1-based): chr12:132,643,401, C>A on the plus strand (G>T on the coding strand, the complement: POLE is on the minus strand). VCF-style: chr12-132643401-C-A. GRCh37 (hg19) VCF-style: chr12-133219987-C-A.
Identifiers: ClinVar variation 1011648 (VCV001011648.8), dbSNP rs2042200596, ClinGen allele CA645579209.
Genomic context (GRCh38, chr12:132,643,401, plus strand): 5'-AAACAAGACCGTCACCCCAGATGTGTGGGAGGCAGGCACATGATGGGCGGCTGGTGCAGG[C>A]CATACCTGGTTCCAGGTAGCTGAACTGGGCCAGAGAGCGCATCTCCAGGTGCTCAAGAGC-3'